The following is an entry in ClinVar:

ClinVar aggregate classification (germline): Uncertain significance. Review status: criteria provided, multiple submitters, no conflicts (2 of 4 stars). 2 submissions from 2 submitters: Uncertain significance (2). Last evaluated 2026-04-08.

Conditions:
Inborn genetic diseases. Identifiers: MedGen C0950123, MeSH D030342.
Kabuki syndrome. Also called: NIIKAWA-KUROKI SYNDROME; Kabuki make-up syndrome. Identifiers: Orphanet 2322, MedGen C0796004, MONDO:0016512.

gnomAD v4.1: 2 of 1,613,912 alleles (0.00012%); highest among the groups gnomAD compares: Non-Finnish European, 0.000085%; no homozygotes.

Submissions (2):

Ambry Genetics
Classification: Uncertain significance for Inborn genetic diseases. Last evaluated: 2026-04-08. Review status: criteria provided, single submitter. Criteria: Ambry Variant Classification Scheme 2023. Collection method: clinical testing. Allele origin: germline.

Labcorp Genetics (formerly Invitae), Labcorp
Classification: Uncertain significance for Kabuki syndrome. Last evaluated: 2024-05-16. Review status: criteria provided, single submitter. Criteria: Invitae Variant Classification Sherloc (09022015). Collection method: clinical testing. Allele origin: germline.
Comment: This sequence change replaces serine, which is neutral and polar, with glycine, which is neutral and non-polar, at codon 5000 of the KMT2D protein (p.Ser5000Gly). This variant is not present in population databases (gnomAD no frequency). This variant has not been reported in the literature in individuals affected with KMT2D-related conditions. Advanced modeling of protein sequence and biophysical properties (such as structural, functional, and spatial information, amino acid conservation, physicochemical variation, residue mobility, and thermodynamic stability) performed at Invitae indicates that this missense variant is not expected to disrupt KMT2D protein function with a negative predictive value of 95%. In summary, the available evidence is currently insufficient to determine the role of this variant in disease. Therefore, it has been classified as a Variant of Uncertain Significance.

NM_003482.4(KMT2D):c.14998A>G (p.Ser5000Gly)

Gene: KMT2D (lysine methyltransferase 2D; minus strand). Cytogenetic location: 12q13.12.
Variant type: single nucleotide variant.
Coding change: c.14998A>G on transcript NM_003482.4 (MANE Select); coding-DNA position 14998, A replaced by G.
Protein change: p.Ser5000Gly; replaces serine 5000 with glycine.
Molecular consequence: missense variant.
Genome position (GRCh38, 1-based): chr12:49,026,968, T>C on the plus strand (A>G on the coding strand, the complement: KMT2D is on the minus strand). VCF-style: chr12-49026968-T-C. GRCh37 (hg19) VCF-style: chr12-49420751-T-C.
Other names: short protein forms S5000G.
Identifiers: ClinVar variation 3635087 (VCV003635087.3).